The following is an entry in ClinVar:

NM_022168.4(IFIH1):c.2020_2023del (p.Arg674fs)

Gene: IFIH1 (interferon induced with helicase C domain 1; minus strand). Cytogenetic location: 2q24.2.
Variant type: Microsatellite.
Coding change: c.2020_2023del on transcript NM_022168.4 (MANE Select); coding-DNA positions 2020 to 2023, 4 bases deleted (AGAT; older notation c.2020_2023delAGAT).
Protein change: p.Arg674fs; shifts the reading frame from arginine 674.
Molecular consequence: frameshift variant.
Genome position (GRCh38, 1-based): chr2:162,277,436-162,277,439, ATCT deleted on the plus strand (AGAT on the coding strand, the reverse complement: IFIH1 is on the minus strand); deleting any 4 consecutive bases within chr2:162,277,436-162,277,443 gives the same sequence; the c. name uses the placement nearest the transcript's 3' end. VCF-style (leftmost placement, unchanged base first): chr2-162277435-AATCT-A. GRCh37 (hg19) VCF-style: chr2-163133945-AATCT-A.
Other names: c.2020_2023delAGAT (NM_022168.4); c.2020_2023del (NM_022168.3); short protein forms R674fs.
Identifiers: ClinVar variation 377097 (VCV000377097.20), dbSNP rs569337014, ClinGen allele CA1934327.
Genomic context (GRCh38, chr2:162,277,435, plus strand): 5'-GTAAATGAATGACACCAGTATATGTTACTTTGAATCTTACCAAAAAATAAAGTCATGAGA[AATCT>A]ATCTGTTTCATCCAGTTTCAAAGGTTTCTTTAAATCATCCTCATCTTCATCACCATCACA-3'

ClinVar aggregate classification (germline): Benign/Likely benign. Review status: criteria provided, multiple submitters, no conflicts (2 of 4 stars). 6 submissions from 6 submitters: Benign (1); Likely benign (4). 1 of the submissions does not count toward it. Last evaluated 2026-01-24.

Conditions:
Singleton-Merten syndrome 1 (SGMRT1). Also called: Widened medullary cavities of bone, aortic calcification, abnormal dentition, and muscular weakness; Syndrome of widened medullary cavities of the metacarpals and phalanges, aortic calcification and abnormal dentition. Identifiers: Orphanet 85191, MedGen C4225427, MONDO:0024535, OMIM 182250.
Immunodeficiency 95 (IMD95). Identifiers: MedGen C5676929, MONDO:0030692, OMIM 619773.
Aicardi-Goutieres syndrome 7 (AGS7). Identifiers: Orphanet 51, MedGen C3888244, MONDO:0014367, OMIM 615846.
IFIH1-related disorder. Also called: IFIH1-related condition.

Submissions (6):

Labcorp Genetics (formerly Invitae), Labcorp
Classification: Likely benign for Aicardi-Goutieres syndrome 7; Singleton-Merten syndrome 1. Last evaluated: 2026-01-24. Review status: criteria provided, single submitter. Criteria: Invitae Variant Classification Sherloc (09022015). Collection method: clinical testing. Allele origin: germline.

Women's Health and Genetics/Laboratory Corporation of America, LabCorp
Classification: Benign. Last evaluated: 2025-04-07. Review status: criteria provided, single submitter. Criteria: LabCorp Variant Classification Summary - May 2015. Collection method: clinical testing. Allele origin: germline.
Comment: Variant summary: IFIH1 c.2020_2023delAGAT (p.Arg674PhefsX3) results in a premature termination codon, predicted to cause a truncation of the encoded protein or absence of the protein due to nonsense mediated decay, however current evidence is not sufficient to establish loss of function as a mechanism for disease. The variant allele was found at a frequency of 0.00073 in 246470 control chromosomes. The observed variant frequency is approximately 700 fold of the estimated maximal expected allele frequency for a pathogenic variant in IFIH1 causing Singleton-Merten syndrome 1 phenotype (1e-06). c.2020_2023delAGAT has been reported in the literature in individuals affected with epilepsy (Ma_2019). These report(s) do not provide unequivocal conclusions about association of the variant with Singleton-Merten syndrome 1. To our knowledge, no experimental evidence demonstrating an impact on protein function has been reported. The following publication has been ascertained in the context of this evaluation (PMID: 31832524). ClinVar contains an entry for this variant (Variation ID: 377097). Based on the evidence outlined above, the variant was classified as benign.

Blueprint Genetics
Classification: Likely benign. Last evaluated: 2024-01-23. Review status: criteria provided, single submitter. Criteria: ACMG Guidelines, 2015. Collection method: clinical testing. Allele origin: germline.

Fulgent Genetics
Classification: Likely benign for Singleton-Merten syndrome 1; Aicardi-Goutieres syndrome 7; Immunodeficiency 95. Last evaluated: 2021-11-29. Review status: criteria provided, single submitter. Criteria: ACMG Guidelines, 2015. Collection method: clinical testing. Allele origin: unknown.

Center for Pediatric Genomic Medicine, Children's Mercy Hospital and Clinics
Classification: Likely benign. Last evaluated: 2016-07-07. Review status: criteria provided, single submitter. Criteria: ACMG Guidelines, 2015. Collection method: clinical testing. Allele origin: germline.
ClinVar note: Converted during submission from Likely Benign to Likely benign.

PreventionGenetics, part of Exact Sciences
Classification: Likely benign for IFIH1-related condition. Last evaluated: 2020-03-03. Review status: no assertion criteria provided. Collection method: clinical testing. Allele origin: germline. Not counted in ClinVar's aggregate classification.
Comment: This variant is classified as likely benign based on ACMG/AMP sequence variant interpretation guidelines (Richards et al. 2015 PMID: 25741868, with internal and published modifications).

Literature cited by the submitters: PubMed 31832524 (cited by Women's Health and Genetics/Laboratory Corporation of America, LabCorp).